The following is an entry in ClinVar:

ClinVar aggregate classification (germline): Uncertain significance (1 of 4 stars; one submission).

gnomAD v4.1: 1 of 1,614,154 alleles (0.000062%); no homozygotes.

Submission:

Labcorp Genetics (formerly Invitae), Labcorp
Classification: Uncertain significance. Last evaluated: 2025-12-01. Review status: criteria provided, single submitter. Criteria: Invitae Variant Classification Sherloc (09022015). Collection method: clinical testing. Allele origin: germline.
Comment: This sequence change replaces cysteine, which is neutral and slightly polar, with serine, which is neutral and polar, at codon 910 of the CNOT1 protein (p.Cys910Ser). This variant is not present in population databases (gnomAD no frequency). This variant has not been reported in the literature in individuals affected with CNOT1-related conditions. An algorithm developed to predict the effect of missense changes on protein structure and function (PolyPhen-2) suggests that this variant is likely to be tolerated. In summary, the available evidence is currently insufficient to determine the role of this variant in disease. Therefore, it has been classified as a Variant of Uncertain Significance.

NM_016284.5(CNOT1):c.2744G>C (p.Cys915Ser)

Gene: CNOT1 (CCR4-NOT transcription complex subunit 1; minus strand). Cytogenetic location: 16q21.
Variant type: single nucleotide variant.
Coding change: c.2744G>C on transcript NM_016284.5 (MANE Select); coding-DNA position 2744, G replaced by C.
Protein change: p.Cys915Ser; replaces cysteine 915 with serine.
Molecular consequence: missense variant. On other transcripts: non-coding transcript variant (1).
Genome position (GRCh38, 1-based): chr16:58,555,398, C>G on the plus strand (G>C on the coding strand, the complement: CNOT1 is on the minus strand). VCF-style: chr16-58555398-C-G. GRCh37 (hg19) VCF-style: chr16-58589302-C-G.
Other names: c.2729G>C, p.Cys910Ser (NM_001265612.2); c.2744G>C, p.Cys915Ser (NM_206999.3); short protein forms C910S, C915S.
Identifiers: ClinVar variation 4730204 (VCV004730204.1).